The following is an entry in ClinVar:

NM_175875.5(SIX5):c.769C>A (p.Arg257=)

Genes: DM1-AS (DM1 locus antisense RNA; plus strand), SIX5 (SIX homeobox 5; minus strand), LOC107075317 (origin of replication in DMPK trinucleotide repeat region; plus strand). Cytogenetic location: 19q13.32.
Variant type: single nucleotide variant.
Coding change: c.769C>A on transcript NM_175875.5 (MANE Select); coding-DNA position 769, C replaced by A.
Protein change: p.Arg257=; no amino-acid change (arginine 257 retained).
Molecular consequence: synonymous variant. On other transcripts: non-coding transcript variant (1).
Genome position (GRCh38, 1-based): chr19:45,768,076, G>T on the plus strand (C>A on the coding strand, the complement: SIX5 is on the minus strand). VCF-style: chr19-45768076-G-T. GRCh37 (hg19) VCF-style: chr19-46271334-G-T.
Identifiers: ClinVar variation 4988927 (VCV004988927.1).

ClinVar aggregate classification (germline): Likely benign (1 of 4 stars; one submission).

Conditions:
SIX5-related disorder. Also called: SIX5-related condition.

gnomAD v4.1: 9 of 1,599,500 alleles (0.00056%); highest among the groups gnomAD compares: Non-Finnish European, 0.00076%; no homozygotes.

Submission:

PreventionGenetics, part of Exact Sciences
Classification: Likely benign for SIX5-related condition. Last evaluated: 2026-06-23. Review status: criteria provided, single submitter. Criteria: ACMG Guidelines, 2015. Collection method: clinical testing. Allele origin: germline.
Comment: This variant is classified as likely benign based on ACMG/AMP sequence variant interpretation guidelines (Richards et al. 2015 PMID: 25741868, with internal and published modifications).